The following is an entry in ClinVar:

ClinVar aggregate classification (germline): Pathogenic/Likely pathogenic. Review status: criteria provided, multiple submitters, no conflicts (2 of 4 stars). 3 submissions from 3 submitters: Pathogenic (1); Likely pathogenic (1). 1 of the submissions does not count toward it. Last evaluated 2024-05-15.

Conditions:
Mucopolysaccharidosis, MPS-III-B (MPS3B). Also called: SANFILIPPO SYNDROME B; MPS III B; MUCOPOLYSACCHARIDOSIS, TYPE IIIB; Mucopolysaccharidosis type IIIB (Sanfilippo B); MPS IIIB (Sanfilippo Syndrome Type B); N-ACETYL-ALPHA-D-GLUCOSAMINIDASE DEFICIENCY. Identifiers: Orphanet 79270, MedGen C0086648, MONDO:0009656, OMIM 252920.
Charcot-Marie-Tooth disease axonal type 2V. Also called: CHARCOT-MARIE-TOOTH NEUROPATHY, TYPE 2V; CHARCOT-MARIE-TOOTH DISEASE, AXONAL, AUTOSOMAL DOMINANT, TYPE 2V. Identifiers: Orphanet 447964, MedGen C5569050, MONDO:0014665, OMIM 616491.

Allele frequency attached by ClinVar (database versions not stated): gnomAD exomes below 0.00001 and 0.00001.
gnomAD v4.1: 3 of 1,614,110 alleles (0.00019%); highest among the groups gnomAD compares: Non-Finnish European, 0.00025%; no homozygotes.

Submissions (3):

Women's Health and Genetics/Laboratory Corporation of America, LabCorp
Classification: Likely pathogenic for Mucopolysaccharidosis, MPS-III-B. Last evaluated: 2024-05-15. Review status: criteria provided, single submitter. Criteria: LabCorp Variant Classification Summary - May 2015. Collection method: clinical testing. Allele origin: germline.
Comment: Variant summary: NAGLU c.2113G>A (p.Glu705Lys) results in a conservative amino acid change located in the alpha-N-acetylglucosaminidase, C-terminal domain (IPR024732) of the encoded protein sequence. Structural studies have predicted that this alters the secondary structure of the NAGLU protein (Birrane_2019). Four of five in-silico tools predict a damaging effect of the variant on protein function. The variant allele was found at a frequency of 4e-06 in 251326 control chromosomes (gnomAD). c.2113G>A has been reported in the literature as a compound heterozygous genotype in at-least one individual affected with Mucopolysaccharidosis Type IIIB (Sanfilippo Syndrome B) (example, Beesley_1998) who was diagnosed with the severe form of the disease with a NAGLU enzyme activity of <0.1 nmol/h/mg protein in white blood cells. To our knowledge, no variant specific experimental evidence demonstrating an impact on protein function has been reported. The following publications have been ascertained in the context of this evaluation (PMID: 9832037, 30802506). ClinVar contains an entry for this variant (Variation ID: 554624). Based on the evidence outlined above, the variant was classified as likely pathogenic.

Labcorp Genetics (formerly Invitae), Labcorp
Classification: Pathogenic for Charcot-Marie-Tooth disease axonal type 2V; Mucopolysaccharidosis, MPS-III-B. Last evaluated: 2023-07-03. Review status: criteria provided, single submitter. Criteria: Invitae Variant Classification Sherloc (09022015). Collection method: clinical testing. Allele origin: germline.
Comment: Advanced modeling of protein sequence and biophysical properties (such as structural, functional, and spatial information, amino acid conservation, physicochemical variation, residue mobility, and thermodynamic stability) performed at Invitae indicates that this missense variant is expected to disrupt NAGLU protein function. For these reasons, this variant has been classified as Pathogenic. ClinVar contains an entry for this variant (Variation ID: 554624). This missense change has been observed in individual(s) with mucopolysaccharidosis type IIIB (PMID: 9832037; Invitae). In at least one individual the data is consistent with being in trans (on the opposite chromosome) from a pathogenic variant. This variant is present in population databases (no rsID available, gnomAD 0.0009%). This sequence change replaces glutamic acid, which is acidic and polar, with lysine, which is basic and polar, at codon 705 of the NAGLU protein (p.Glu705Lys).

Counsyl
Classification: Uncertain significance for Mucopolysaccharidosis, MPS-III-B. Last evaluated: 2017-10-27. Review status: no assertion criteria provided. Collection method: clinical testing. Allele origin: unknown. Not counted in ClinVar's aggregate classification.

Literature cited by the submitters: PubMed 9832037 (cited by 3 submitters); PubMed 30802506 (cited by Women's Health and Genetics/Laboratory Corporation of America, LabCorp); PubMed 9950362 (cited by Counsyl).

NM_000263.4(NAGLU):c.2113G>A (p.Glu705Lys)

Gene: NAGLU (N-acetyl-alpha-glucosaminidase; plus strand). Cytogenetic location: 17q21.2.
Variant type: single nucleotide variant.
Coding change: c.2113G>A on transcript NM_000263.4 (MANE Select); coding-DNA position 2113, G replaced by A.
Protein change: p.Glu705Lys; replaces glutamic acid 705 with lysine.
Molecular consequence: missense variant.
Genome position (GRCh38, 1-based): chr17:42,544,119, G>A. VCF-style: chr17-42544119-G-A. GRCh37 (hg19) VCF-style: chr17-40696137-G-A.
Other names: short protein forms E705K.
Identifiers: ClinVar variation 554624 (VCV000554624.13), dbSNP rs1364203992, ClinGen allele CA399606186.